The following is an entry in ClinVar:

NM_007126.5(VCP):c.1371C>T (p.Ser457=)

Gene: VCP (valosin containing protein; minus strand). Cytogenetic location: 9p13.3.
Variant type: single nucleotide variant.
Coding change: c.1371C>T on transcript NM_007126.5 (MANE Select); coding-DNA position 1371, C replaced by T.
Protein change: p.Ser457=; no amino-acid change (serine 457 retained).
Molecular consequence: synonymous variant.
Genome position (GRCh38, 1-based): chr9:35,060,912, G>A on the plus strand (C>T on the coding strand, the complement: VCP is on the minus strand). VCF-style: chr9-35060912-G-A. GRCh37 (hg19) VCF-style: chr9-35060909-G-A.
Other names: c.1236C>T, p.Ser412= (NM_001354927.2, NM_001354928.2).
Identifiers: ClinVar variation 764681 (VCV000764681.16), dbSNP rs747614057, ClinGen allele CA5039260.

ClinVar aggregate classification (germline): Likely benign. Review status: criteria provided, multiple submitters, no conflicts (2 of 4 stars). 2 submissions from 2 submitters: Likely benign (2). Last evaluated 2025-08-01.

Conditions:
Frontotemporal dementia and/or amyotrophic lateral sclerosis 6 (FTDALS6). Also called: VCP-Related Amyotrophic Lateral Sclerosis/Frontotemporal Dementia; VCP-Related Amyotrophic Lateral Sclerosis. Identifiers: Orphanet 275872, Orphanet 803, MedGen C5436279, MONDO:0013501, OMIM 613954.
Inclusion body myopathy with Paget disease of bone and frontotemporal dementia. Also called: Inclusion body myopathy with early-onset Paget disease and frontotemporal dementia. Identifiers: Orphanet 52430, MedGen C1833662, MONDO:0000507.

Allele frequency attached by ClinVar (database versions not stated): ExAC 0.00001; gnomAD exomes 0.00001.
gnomAD v4.1: 19 of 1,614,168 alleles (0.0012%); highest among the groups gnomAD compares: Non-Finnish European, 0.0015%; no homozygotes.

Submissions (2):

CeGaT Center for Human Genetics Tuebingen
Classification: Likely benign. Last evaluated: 2025-08-01. Review status: criteria provided, single submitter. Criteria: CeGaT Center For Human Genetics Tuebingen Variant Classification Criteria Version 2. Collection method: clinical testing. Allele origin: germline. Affected: yes. Observed: 1 variant allele.
Comment: VCP: BP4, BP7

Labcorp Genetics (formerly Invitae), Labcorp
Classification: Likely benign for Inclusion body myopathy with Paget disease of bone and frontotemporal dementia; Frontotemporal dementia and/or amyotrophic lateral sclerosis 6. Last evaluated: 2024-12-12. Review status: criteria provided, single submitter. Criteria: Invitae Variant Classification Sherloc (09022015). Collection method: clinical testing. Allele origin: germline.